The following is an entry in ClinVar:

NM_152281.3(GORAB):c.-12T>G

Genes: GORAB (golgin, RAB6 interacting; plus strand), GORAB-AS1 (GORAB antisense RNA 1; minus strand). Cytogenetic location: 1q24.2.
Variant type: single nucleotide variant.
Coding change: c.-12T>G on transcript NM_152281.3 (MANE Select); 12 bases upstream of the start codon, T replaced by G.
Molecular consequence: 5 prime UTR variant. On other transcripts: non-coding transcript variant (1).
Genome position (GRCh38, 1-based): chr1:170,532,212, T>G. VCF-style: chr1-170532212-T-G. GRCh37 (hg19) VCF-style: chr1-170501353-T-G.
Other names: c.-12T>G (NM_001146039.2, NM_001410894.1); c.-777T>G (NM_001320252.2).
Identifiers: ClinVar variation 1955721 (VCV001955721.3), dbSNP rs2525903726, ClinGen allele CA343160127.

ClinVar aggregate classification (germline): Uncertain significance (1 of 4 stars; one submission).

Submission:

Labcorp Genetics (formerly Invitae), Labcorp
Classification: Uncertain significance. Last evaluated: 2022-04-13. Review status: criteria provided, single submitter. Criteria: Invitae Variant Classification Sherloc (09022015). Collection method: clinical testing. Allele origin: germline.
Comment: This sequence change replaces tryptophan, which is neutral and slightly polar, with glycine, which is neutral and non-polar, at codon 22 of the GORAB protein (p.Trp22Gly). This variant is not present in population databases (gnomAD no frequency). This variant has not been reported in the literature in individuals affected with GORAB-related conditions. Algorithms developed to predict the effect of missense changes on protein structure and function output the following: SIFT: "Tolerated"; PolyPhen-2: "Benign"; Align-GVGD: "Class C0". The glycine amino acid residue is found in multiple mammalian species, which suggests that this missense change does not adversely affect protein function. In summary, the available evidence is currently insufficient to determine the role of this variant in disease. Therefore, it has been classified as a Variant of Uncertain Significance.